The following is an entry in ClinVar:

ClinVar aggregate classification (germline): Likely benign (1 of 4 stars; one submission).

Allele frequency attached by ClinVar (database versions not stated): TOPMed 0.00001; ExAC 0.00005.

Submission:

CeGaT Center for Human Genetics Tuebingen
Classification: Likely benign. Last evaluated: 2022-11-01. Review status: criteria provided, single submitter. Criteria: CeGaT Center For Human Genetics Tuebingen Variant Classification Criteria Version 2. Collection method: clinical testing. Allele origin: germline. Affected: yes. Observed: 1 variant allele.
Comment: COL6A6: BP4, BP7

NM_001102608.3(COL6A6):c.4257A>T (p.Gly1419=)

Gene: COL6A6 (collagen type VI alpha 6 chain; plus strand). Cytogenetic location: 3q22.1.
Variant type: single nucleotide variant.
Coding change: c.4257A>T on transcript NM_001102608.3 (MANE Select); coding-DNA position 4257, A replaced by T.
Protein change: p.Gly1419=; no amino-acid change (glycine 1419 retained).
Molecular consequence: synonymous variant.
Genome position (GRCh38, 1-based): chr3:130,591,079, A>T. VCF-style: chr3-130591079-A-T. GRCh37 (hg19) VCF-style: chr3-130309923-A-T.
Identifiers: ClinVar variation 2654141 (VCV002654141.24), dbSNP rs750681043, ClinGen allele CA2612824.